The following is an entry in ClinVar:

ClinVar aggregate classification (germline): Pathogenic/Likely pathogenic. Review status: criteria provided, multiple submitters, no conflicts (2 of 4 stars). 4 submissions from 4 submitters: Pathogenic (1); Likely pathogenic (3). Last evaluated 2025-08-29.

Conditions:
ADGRV1-related disorder. Also called: ADGRV1-related condition; ADGRV1-related disorders.
Usher syndrome type 2C. Also called: Usher syndrome, type 2B; USHER SYNDROME, TYPE IIC. Identifiers: Orphanet 231178, Orphanet 886, MedGen C2931213, MONDO:0011558, OMIM 605472.
Febrile seizures, familial, 4 (FEB4). Also called: CONVULSIONS, FAMILIAL FEBRILE, 4. Identifiers: MedGen C1858493, MONDO:0011443, OMIM 604352.

Submissions (4):

PreventionGenetics, part of Exact Sciences
Classification: Likely pathogenic for ADGRV1-related condition. Last evaluated: 2025-08-29. Review status: criteria provided, single submitter. Criteria: ACMG Guidelines, 2015. Collection method: clinical testing. Allele origin: germline.
Comment: The ADGRV1 c.4371dupT variant is predicted to result in a frameshift and premature protein termination (p.Thr1458Tyrfs*2). To our knowledge, this variant has not been reported in individuals with ADGRV1-related conditions. This variant is reported in 0.011% of alleles in individuals of African descent in gnomAD. Frameshift variants in ADGRV1 are expected to be pathogenic. This variant is interpreted as likely pathogenic.

GeneDx
Classification: Likely pathogenic. Last evaluated: 2025-06-26. Review status: criteria provided, single submitter. Criteria: GeneDx Variant Classification Process June 2021. Collection method: clinical testing. Allele origin: germline. Affected: yes.
Comment: Frameshift variant predicted to result in protein truncation or nonsense mediated decay in a gene for which loss of function is a known mechanism of disease; Not observed at significant frequency in large population cohorts (gnomAD); Has not been previously published as pathogenic or benign in a case report of an individual with an ADGRV1-related disorder to our knowledge; This variant is associated with the following publications: (PMID: 31964843)

Fulgent Genetics
Classification: Likely pathogenic for Febrile seizures, familial, 4; Usher syndrome type 2C. Last evaluated: 2024-04-29. Review status: criteria provided, single submitter. Criteria: ACMG Guidelines, 2015. Collection method: clinical testing. Allele origin: germline.

Labcorp Genetics (formerly Invitae), Labcorp
Classification: Pathogenic. Last evaluated: 2023-04-03. Review status: criteria provided, single submitter. Criteria: Invitae Variant Classification Sherloc (09022015). Collection method: clinical testing. Allele origin: germline.
Comment: This variant has not been reported in the literature in individuals affected with ADGRV1-related conditions. For these reasons, this variant has been classified as Pathogenic. Algorithms developed to predict the effect of sequence changes on RNA splicing suggest that this variant may disrupt the consensus splice site. ClinVar contains an entry for this variant (Variation ID: 1969864). This variant is present in population databases (rs759668154, gnomAD 0.01%). This sequence change creates a premature translational stop signal (p.Thr1458Tyrfs*2) in the ADGRV1 gene. It is expected to result in an absent or disrupted protein product. Loss-of-function variants in ADGRV1 are known to be pathogenic (PMID: 19357117, 22135276, 22147658, 26226137, 30718709, 31047384, 32467589).

Literature cited by the submitters: PubMed 19357117 (cited by Labcorp Genetics (formerly Invitae), Labcorp); PubMed 22135276 (cited by Labcorp Genetics (formerly Invitae), Labcorp); PubMed 22147658 (cited by Labcorp Genetics (formerly Invitae), Labcorp); PubMed 26226137 (cited by Labcorp Genetics (formerly Invitae), Labcorp); PubMed 30718709 (cited by Labcorp Genetics (formerly Invitae), Labcorp); PubMed 31047384 (cited by Labcorp Genetics (formerly Invitae), Labcorp); PubMed 32467589 (cited by Labcorp Genetics (formerly Invitae), Labcorp).

NM_032119.4(ADGRV1):c.4371dup (p.Thr1458fs)

Gene: ADGRV1 (adhesion G protein-coupled receptor V1; plus strand). Cytogenetic location: 5q14.3.
Variant type: Duplication.
Coding change: c.4371dup on transcript NM_032119.4 (MANE Select); coding-DNA position 4371, one base duplicated (T; older notation c.4371dupT).
Protein change: p.Thr1458fs; shifts the reading frame from threonine 1458.
Molecular consequence: frameshift variant. On other transcripts: non-coding transcript variant (1).
Genome position (GRCh38, 1-based): chr5:90,653,945, T duplicated; the last of 2 consecutive T bases (chr5:90,653,944-90,653,945); duplicating either gives the same sequence. VCF-style (leftmost placement, unchanged base first): chr5-90653943-A-AT. GRCh37 (hg19) VCF-style: chr5-89949760-A-AT.
Other names: c.4371dupT (NM_032119.3); c.4371dup (NM_032119.3); short protein forms T1458fs.
Identifiers: ClinVar variation 1969864 (VCV001969864.8), dbSNP rs759668154, ClinGen allele CA3339334.